The following is an entry in ClinVar:

NM_000337.6(SGCD):c.576-277T>C

Gene: SGCD (sarcoglycan delta; plus strand). Cytogenetic location: 5q33.3.
Variant type: single nucleotide variant.
Coding change: c.576-277T>C on transcript NM_000337.6 (MANE Select); 277 bases into the intron before coding-DNA position 576, T replaced by C.
Molecular consequence: intron variant.
Genome position (GRCh38, 1-based): chr5:156,757,304, T>C. VCF-style: chr5-156757304-T-C. GRCh37 (hg19) VCF-style: chr5-156184315-T-C.
Other names: c.573-277T>C (NM_001128209.2); c.576-277T>C (NM_172244.3).
Identifiers: ClinVar variation 671515 (VCV000671515.1), dbSNP rs76665508, ClinGen allele CA130642091.
Genomic context (GRCh38, chr5:156,757,304, plus strand): 5'-CGGGATTGACTTACTTTTACAAAAAAAAAAAAAAAAAAAAAAAAAAAGCTTATATGAGTT[T>C]GATTAATTATACCAATAAAACAACACTTGGATATAAGATCAAGTGAAACCAGGATCCTAG-3'

ClinVar aggregate classification (germline): Likely benign (1 of 4 stars; one submission).

Allele frequency attached by ClinVar (database versions not stated): 1000 Genomes Project 0.01098; 1000 Genomes Project 30x 0.01124; gnomAD 0.01145 and 0.01242; TOPMed 0.01453.
gnomAD v4.1: 1,671 of 147,358 alleles (1.1%); highest among the groups gnomAD compares: African/African-American, 4%; 37 homozygotes.

Submission:

GeneDx
Classification: Likely benign. Last evaluated: 2018-06-19. Review status: criteria provided, single submitter. Criteria: GeneDx Variant Classification (06012015). Collection method: clinical testing. Allele origin: germline. Affected: yes.
Comment: This variant is considered likely benign or benign based on one or more of the following criteria: it is a conservative change, it occurs at a poorly conserved position in the protein, it is predicted to be benign by multiple in silico algorithms, and/or has population frequency not consistent with disease.